The following is an entry in ClinVar:

NM_000059.4(BRCA2):c.4862G>T (p.Cys1621Phe)

Gene: BRCA2 (BRCA2 DNA repair associated; plus strand). Cytogenetic location: 13q13.1.
Variant type: single nucleotide variant.
Coding change: c.4862G>T on transcript NM_000059.4 (MANE Select); coding-DNA position 4862, G replaced by T.
Protein change: p.Cys1621Phe; replaces cysteine 1621 with phenylalanine.
Molecular consequence: missense variant.
Genome position (GRCh38, 1-based): chr13:32,339,217, G>T. VCF-style: chr13-32339217-G-T. GRCh37 (hg19) VCF-style: chr13-32913354-G-T.
Other names: p.C1621F:TGT>TTT; short protein forms C1621F.
Identifiers: ClinVar variation 182212 (VCV000182212.25), dbSNP rs730881534, ClinGen allele CA020932.

ClinVar aggregate classification (germline): Conflicting classifications of pathogenicity. Review status: criteria provided, conflicting classifications (1 of 4 stars). 7 submissions from 7 submitters: Uncertain significance (5); Likely benign (2). Last evaluated 2025-12-01.

Conditions:
Hereditary cancer-predisposing syndrome. Also called: Tumor predisposition; Hereditary Cancer Syndrome; Hereditary neoplastic syndrome; Neoplastic Syndromes, Hereditary. Identifiers: Orphanet 140162, MedGen C0027672, MeSH D009386, MONDO:0015356.
Hereditary breast ovarian cancer syndrome. Also called: Breast and ovarian cancer; Hereditary breast and ovarian cancer syndrome; Hereditary breast and ovarian cancer; BRCA1- and BRCA2-Associated Hereditary Breast and Ovarian Cancer; Hereditary breast and ovarian cancer syndrome (HBOC); Hereditary breast and/or ovarian cancer syndrome. Identifiers: Orphanet 145, MedGen C0677776, MeSH D061325, MONDO:0003582. Disease mechanism: loss of function.
Breast-ovarian cancer, familial, susceptibility to, 2 (BROVCA2). Also called: BRCA2 Hereditary Breast and Ovarian Cancer. Identifiers: Orphanet 145, MedGen C2675520, MONDO:0012933, OMIM 612555. Disease mechanism: loss of function.

Allele frequency attached by ClinVar (database versions not stated): gnomAD 0.00002; TOPMed 0.00002.

Submissions (7):

Labcorp Genetics (formerly Invitae), Labcorp
Classification: Uncertain significance for Hereditary breast ovarian cancer syndrome. Last evaluated: 2025-12-01. Review status: criteria provided, single submitter. Criteria: Invitae Variant Classification Sherloc (09022015). Collection method: clinical testing. Allele origin: germline.
Comment: This sequence change replaces cysteine, which is neutral and slightly polar, with phenylalanine, which is neutral and non-polar, at codon 1621 of the BRCA2 protein (p.Cys1621Phe). This variant is present in population databases (rs730881534, gnomAD 0.02%). This variant has not been reported in the literature in individuals affected with BRCA2-related conditions. ClinVar contains an entry for this variant (Variation ID: 182212). Invitae Evidence Modeling of protein sequence and biophysical properties (such as structural, functional, and spatial information, amino acid conservation, physicochemical variation, residue mobility, and thermodynamic stability) indicates that this missense variant is not expected to disrupt BRCA2 protein function with a negative predictive value of 95%. In summary, the available evidence is currently insufficient to determine the role of this variant in disease. Therefore, it has been classified as a Variant of Uncertain Significance.

Ambry Genetics
Classification: Likely benign for Hereditary cancer-predisposing syndrome. Last evaluated: 2025-10-21. Review status: criteria provided, single submitter. Criteria: Ambry Variant Classification Scheme 2023. Collection method: clinical testing. Allele origin: germline.

Color Diagnostics, LLC DBA Color Health
Classification: Uncertain significance for Hereditary cancer-predisposing syndrome. Last evaluated: 2024-03-06. Review status: criteria provided, single submitter. Criteria: ACMG Guidelines, 2015. Collection method: clinical testing. Allele origin: germline.
Comment: This missense variant replaces cysteine with phenylalanine at codon 1621 of the BRCA2 protein. Computational prediction suggests that this variant may not impact protein structure and function (internally defined REVEL score threshold <= 0.5, PMID: 27666373). To our knowledge, functional studies have not been reported for this variant. This variant has not been reported in individuals affected with hereditary cancer in the literature. This variant has been identified in 2/31394 chromosomes in the general population by the Genome Aggregation Database (gnomAD). The available evidence is insufficient to determine the role of this variant in disease conclusively. Therefore, this variant is classified as a Variant of Uncertain Significance.

GeneDx
Classification: Uncertain significance. Last evaluated: 2023-12-06. Review status: criteria provided, single submitter. Criteria: GeneDx Variant Classification Process June 2021. Collection method: clinical testing. Allele origin: germline. Affected: yes.
Comment: In silico analysis supports that this missense variant does not alter protein structure/function; Has not been previously published as pathogenic or benign to our knowledge; Also known as 5090G>T

All of Us Research Program, National Institutes of Health
Classification: Uncertain significance for Breast-ovarian cancer, familial, susceptibility to, 2. Last evaluated: 2023-08-15. Review status: criteria provided, single submitter. Criteria: ACMG Guidelines, 2015. Collection method: clinical testing. Allele origin: germline. Inheritance: Autosomal dominant inheritance. Observed: 1 variant allele, 1 heterozygote.
Comment: This missense variant replaces cysteine with phenylalanine at codon 1621 of the BRCA2 protein. Computational prediction suggests that this variant may not impact protein structure and function (internally defined REVEL score threshold <= 0.5, PMID: 27666373). To our knowledge, functional studies have not been reported for this variant. This variant has not been reported in individuals affected with hereditary cancer in the literature. This variant has been identified in 2/31394 chromosomes in the general population by the Genome Aggregation Database (gnomAD). The available evidence is insufficient to determine the role of this variant in disease conclusively. Therefore, this variant is classified as a Variant of Uncertain Significance.

This study involves interpretation of variants in research participants for the purpose of population health screening. Participant phenotype was not available at the time of variant classification. Additional details can be found in publication PMID: 35346344, PMCID: PMC8962531

University of Washington Department of Laboratory Medicine, University of Washington
Classification: Likely benign for Hereditary cancer-predisposing syndrome. Last evaluated: 2023-03-23. Review status: criteria provided, single submitter. Criteria: Dines et al. (Genet Med. 2020). Collection method: curation. Allele origin: germline.
Comment: Missense variant in a coldspot region where missense variants are very unlikely to be pathogenic (PMID:31911673).

BRCA2 exon 11 coldspot. Reclassification based on statistical prior probability.

Quest Diagnostics Nichols Institute San Juan Capistrano
Classification: Uncertain significance. Last evaluated: 2023-03-17. Review status: criteria provided, single submitter. Criteria: Quest Diagnostics criteria. Collection method: clinical testing. Allele origin: unknown.
Comment: The variant has not been reported in any individuals affected with a BRCA2-related disease in the published literature. The frequency of this variant in the general population, 0.000072 (3/41450 chromosomes), is uninformative in assessment of its pathogenicity. Analysis of this variant using bioinformatics tools for the prediction of the effect of amino acid changes on protein structure and function yielded predictions that this variant is benign. Based on the available information, we are unable to determine the clinical significance of this variant.

Literature cited by the submitters: PubMed 29884841 (cited by Quest Diagnostics Nichols Institute San Juan Capistrano); PubMed 31911673 (cited by Quest Diagnostics Nichols Institute San Juan Capistrano).